The following is an entry in ClinVar:

NM_144670.6(A2ML1):c.9T>A (p.Ala3=)

Genes: A2ML1 (alpha-2-macroglobulin like 1; plus strand), A2ML1-AS1 (A2ML1 antisense RNA 1; minus strand). Cytogenetic location: 12p13.31.
Variant type: single nucleotide variant.
Coding change: c.9T>A on transcript NM_144670.6 (MANE Select); coding-DNA position 9, T replaced by A.
Protein change: p.Ala3=; no amino-acid change (alanine 3 retained).
Molecular consequence: synonymous variant.
Genome position (GRCh38, 1-based): chr12:8,822,660, T>A. VCF-style: chr12-8822660-T-A. GRCh37 (hg19) VCF-style: chr12-8975256-T-A.
Identifiers: ClinVar variation 241912 (VCV000241912.17), dbSNP rs151044194, ClinGen allele CA6435128.
Genomic context (GRCh38, chr12:8,822,660, plus strand): 5'-CGCGGAGCGATCTCTGCCCCTGACCCTGGAAAAATCTGTCTCACCCACAAAGATGTGGGC[T>A]CAGCTCCTTCTAGGAATGTTGGCCCTATCACCAGCCATTGCAGAAGAACTTCCGTGAGTG-3'
Protein context (NP_653271.3, residues 1-13): MW[Ala3=]QLLLGMLALS

ClinVar aggregate classification (germline): Benign/Likely benign. Review status: criteria provided, multiple submitters, no conflicts (2 of 4 stars). 6 submissions from 6 submitters: Benign (3); Likely benign (3). Last evaluated 2026-01-12.

Conditions:
Otitis media, susceptibility to (OMS). Also called: OTITIS MEDIA, CHRONIC/RECURRENT; COME/ROM. Identifiers: MedGen C1833692, MONDO:0008162, OMIM 166760.

Allele frequency attached by ClinVar (database versions not stated): gnomAD exomes 0.00015 and 0.00040; ExAC 0.00044; 1000 Genomes Project 30x 0.00109; 1000 Genomes Project 0.00120; gnomAD 0.00159 and 0.00177; TOPMed 0.00178; ESP Exome Variant Server 0.00223.

Submissions (6):

Labcorp Genetics (formerly Invitae), Labcorp
Classification: Benign. Last evaluated: 2026-01-12. Review status: criteria provided, single submitter. Criteria: Invitae Variant Classification Sherloc (09022015). Collection method: clinical testing. Allele origin: germline.

Blueprint Genetics
Classification: Likely benign. Last evaluated: 2024-09-16. Review status: criteria provided, single submitter. Criteria: ACMG Guidelines, 2015. Collection method: clinical testing. Allele origin: germline.

Ambry Genetics
Classification: Likely benign. Last evaluated: 2022-06-12. Review status: criteria provided, single submitter. Criteria: Ambry Variant Classification Scheme 2023. Collection method: clinical testing. Allele origin: germline.

Fulgent Genetics
Classification: Likely benign for Otitis media, susceptibility to. Last evaluated: 2021-12-18. Review status: criteria provided, single submitter. Criteria: ACMG Guidelines, 2015. Collection method: clinical testing. Allele origin: unknown.

Women's Health and Genetics/Laboratory Corporation of America, LabCorp
Classification: Benign. Last evaluated: 2020-02-13. Review status: criteria provided, single submitter. Criteria: LabCorp Variant Classification Summary - May 2015. Collection method: clinical testing. Allele origin: germline.

GeneDx
Classification: Benign. Last evaluated: 2017-03-03. Review status: criteria provided, single submitter. Criteria: GeneDx Variant Classification (06012015). Collection method: clinical testing. Allele origin: germline. Affected: yes.
Comment: This variant is considered likely benign or benign based on one or more of the following criteria: it is a conservative change, it occurs at a poorly conserved position in the protein, it is predicted to be benign by multiple in silico algorithms, and/or has population frequency not consistent with disease.